The following is an entry in ClinVar:

NM_001099403.2(PRDM8):c.2000A>G (p.Lys667Arg)

Gene: PRDM8 (PR/SET domain 8; plus strand). Cytogenetic location: 4q21.21.
Variant type: single nucleotide variant.
Coding change: c.2000A>G on transcript NM_001099403.2 (MANE Select); coding-DNA position 2000, A replaced by G.
Protein change: p.Lys667Arg; replaces lysine 667 with arginine.
Molecular consequence: missense variant.
Genome position (GRCh38, 1-based): chr4:80,203,462, A>G. VCF-style: chr4-80203462-A-G. GRCh37 (hg19) VCF-style: chr4-81124616-A-G.
Other names: c.2000A>G, p.Lys667Arg (NM_020226.4); c.2000A>G (NM_020226.3); short protein forms K667R.
Identifiers: ClinVar variation 1009300 (VCV001009300.9), dbSNP rs1223656077, ClinGen allele CA357403870.

ClinVar aggregate classification (germline): Uncertain significance. Review status: criteria provided, multiple submitters, no conflicts (2 of 4 stars). 2 submissions from 2 submitters: Uncertain significance (2). Last evaluated 2024-03-27.

Conditions:
Early-onset Lafora body disease. Also called: Epilepsy, progressive myoclonic, 10. Identifiers: Orphanet 324290, MedGen C4225258, MONDO:0014717, OMIM 616640.

Allele frequency attached by ClinVar (database versions not stated): gnomAD exomes 0.00001; TOPMed 0.00002; gnomAD 0.00003.
gnomAD v4.1: 25 of 1,613,380 alleles (0.0015%); highest among the groups gnomAD compares: Non-Finnish European, 0.0021%; no homozygotes.

Submissions (2):

Ambry Genetics
Classification: Uncertain significance. Last evaluated: 2024-03-27. Review status: criteria provided, single submitter. Criteria: Ambry Variant Classification Scheme 2023. Collection method: clinical testing. Allele origin: germline.

Labcorp Genetics (formerly Invitae), Labcorp
Classification: Uncertain significance for Early-onset Lafora body disease. Last evaluated: 2021-02-24. Review status: criteria provided, single submitter. Criteria: Invitae Variant Classification Sherloc (09022015). Collection method: clinical testing. Allele origin: germline.
Comment: This sequence change replaces lysine with arginine at codon 667 of the PRDM8 protein (p.Lys667Arg). The lysine residue is moderately conserved and there is a small physicochemical difference between lysine and arginine. This variant is not present in population databases (ExAC no frequency). This variant has not been reported in the literature in individuals with PRDM8-related conditions. Algorithms developed to predict the effect of missense changes on protein structure and function (SIFT, PolyPhen-2, Align-GVGD) all suggest that this variant is likely to be tolerated, but these predictions have not been confirmed by published functional studies and their clinical significance is uncertain. In summary, the available evidence is currently insufficient to determine the role of this variant in disease. Therefore, it has been classified as a Variant of Uncertain Significance.